The following is an entry in ClinVar:

NM_006348.5(COG5):c.796A>T (p.Ile266Leu)

Gene: COG5 (component of oligomeric golgi complex 5; minus strand). Cytogenetic location: 7q22.3.
Variant type: single nucleotide variant.
Coding change: c.796A>T on transcript NM_006348.5 (MANE Select); coding-DNA position 796, A replaced by T.
Protein change: p.Ile266Leu; replaces isoleucine 266 with leucine.
Molecular consequence: missense variant. On other transcripts: intron variant (2).
Genome position (GRCh38, 1-based): chr7:107,372,634, T>A on the plus strand (A>T on the coding strand, the complement: COG5 is on the minus strand). VCF-style: chr7-107372634-T-A. GRCh37 (hg19) VCF-style: chr7-107013079-T-A.
Other names: c.889A>T (NM_006348.3); c.796A>T, p.Ile266Leu (NM_001161520.2, NM_001379511.1, NM_001379512.1 and 3 more transcripts); c.235-10524A>T (NM_001379516.1); c.539-74288A>T (NM_001379515.1); short protein forms I266L.
Identifiers: ClinVar variation 1379844 (VCV001379844.6), dbSNP rs768338390, ClinGen allele CA4431103.
Genomic context (GRCh38, chr7:107,372,634, plus strand): 5'-AAATATAAACCACATCCATACCTCTCACAGCTGACTGGGAAGGCTGAGTCAAAACTTTTA[T>A]GTCTAATGCACTGTTGATATTTTCTTCTAAAGTAGCACAATATCCATCCACAACACTGGT-3'
Protein context (NP_006339.4, residues 256-276): LEENINSALD[Ile266Leu]KVLTQPSQSA

ClinVar aggregate classification (germline): Uncertain significance. Review status: criteria provided, multiple submitters, no conflicts (2 of 4 stars). 2 submissions from 2 submitters: Uncertain significance (2). Last evaluated 2025-12-10.

Conditions:
Inborn genetic diseases. Identifiers: MedGen C0950123, MeSH D030342.
COG5-congenital disorder of glycosylation. Also called: CONGENITAL DISORDER OF GLYCOSYLATION, TYPE IIi; CDG IIi; COG5-CDG. Identifiers: Orphanet 263487, MedGen C3150876, MONDO:0013325, OMIM 613612.

Allele frequency attached by ClinVar (database versions not stated): TOPMed 0.00003; gnomAD 0.00005.
gnomAD v4.1: 11 of 1,613,618 alleles (0.00068%); highest among the groups gnomAD compares: African/African-American, 0.012%; no homozygotes.

Submissions (2):

Ambry Genetics
Classification: Uncertain significance for Inborn genetic diseases. Last evaluated: 2025-12-10. Review status: criteria provided, single submitter. Criteria: Ambry Variant Classification Scheme 2023. Collection method: clinical testing. Allele origin: germline.

Labcorp Genetics (formerly Invitae), Labcorp
Classification: Uncertain significance for COG5-congenital disorder of glycosylation. Last evaluated: 2021-08-27. Review status: criteria provided, single submitter. Criteria: Invitae Variant Classification Sherloc (09022015). Collection method: clinical testing. Allele origin: germline.
Comment: This sequence change replaces isoleucine with leucine at codon 297 of the COG5 protein (p.Ile297Leu). The isoleucine residue is moderately conserved and there is a small physicochemical difference between isoleucine and leucine. This variant is present in population databases (rs768338390, ExAC 0.006%). This variant has not been reported in the literature in individuals affected with COG5-related conditions. Algorithms developed to predict the effect of missense changes on protein structure and function (SIFT, PolyPhen-2, Align-GVGD) all suggest that this variant is likely to be tolerated. In summary, the available evidence is currently insufficient to determine the role of this variant in disease. Therefore, it has been classified as a Variant of Uncertain Significance.